The following is an entry in ClinVar:

NM_005687.5(FARSB):c.467T>G (p.Leu156Arg)

Gene: FARSB (phenylalanyl-tRNA synthetase subunit beta; minus strand). Cytogenetic location: 2q36.1.
Variant type: single nucleotide variant.
Coding change: c.467T>G on transcript NM_005687.5 (MANE Select); coding-DNA position 467, T replaced by G.
Protein change: p.Leu156Arg; replaces leucine 156 with arginine.
Molecular consequence: missense variant. On other transcripts: non-coding transcript variant (1).
Genome position (GRCh38, 1-based): chr2:222,634,530, A>C on the plus strand (T>G on the coding strand, the complement: FARSB is on the minus strand). VCF-style: chr2-222634530-A-C. GRCh37 (hg19) VCF-style: chr2-223499249-A-C.
Other names: c.467T>G (NM_005687.3); short protein forms L156R.
Identifiers: ClinVar variation 1334739 (VCV001334739.9), dbSNP rs201927592, ClinGen allele CA2136646.
Genomic context (GRCh38, chr2:222,634,530, plus strand): 5'-TTTGCAGTATAAGTAAATGGGCCCGACAAAGTGTCCAAATCATGGGTACCAATGGCAACC[A>C]GTGCTCTTTTCCTAATTGTTGAGAGGTTGAGGGAGAAGGAGGGAGGAAAGGAAAGGAGGA-3'
Protein context (NP_005678.3, residues 146-166): LHQNICRKRA[Leu156Arg]VAIGTHDLDT

ClinVar aggregate classification (germline): Uncertain significance. Review status: criteria provided, multiple submitters, no conflicts (2 of 4 stars). 3 submissions from 3 submitters: Uncertain significance (3). Last evaluated 2025-04-14.

Conditions:
Inborn genetic diseases. Identifiers: MedGen C0950123, MeSH D030342.

Allele frequency attached by ClinVar (database versions not stated): gnomAD 0.00001; gnomAD exomes 0.00001 and 0.00004; ExAC 0.00002; 1000 Genomes Project 0.00020; 1000 Genomes Project 30x 0.00031.
gnomAD v4.1: 14 of 1,612,140 alleles (0.00087%); highest among the groups gnomAD compares: Admixed American, 0.023%; no homozygotes.

Submissions (3):

Labcorp Genetics (formerly Invitae), Labcorp
Classification: Uncertain significance. Last evaluated: 2025-04-14. Review status: criteria provided, single submitter. Criteria: Invitae Variant Classification Sherloc (09022015). Collection method: clinical testing. Allele origin: germline.
Comment: This sequence change replaces leucine, which is neutral and non-polar, with arginine, which is basic and polar, at codon 156 of the FARSB protein (p.Leu156Arg). This variant is present in population databases (rs201927592, gnomAD 0.02%). This variant has not been reported in the literature in individuals affected with FARSB-related conditions. ClinVar contains an entry for this variant (Variation ID: 1334739). Invitae Evidence Modeling of protein sequence and biophysical properties (such as structural, functional, and spatial information, amino acid conservation, physicochemical variation, residue mobility, and thermodynamic stability) has been performed for this missense variant. However, the output from this modeling did not meet the statistical confidence thresholds required to predict the impact of this variant on FARSB protein function. In summary, the available evidence is currently insufficient to determine the role of this variant in disease. Therefore, it has been classified as a Variant of Uncertain Significance.

Ambry Genetics
Classification: Uncertain significance for Inborn genetic diseases. Last evaluated: 2024-12-25. Review status: criteria provided, single submitter. Criteria: Ambry Variant Classification Scheme 2023. Collection method: clinical testing. Allele origin: germline.

Greenwood Genetic Center Diagnostic Laboratories, Greenwood Genetic Center
Classification: Uncertain significance. Last evaluated: 2021-04-01. Review status: criteria provided, single submitter. Criteria: ACMG Guidelines, 2015. Collection method: clinical testing. Allele origin: germline. Affected: yes.
Comment: PM2